The following is an entry in ClinVar:

ClinVar aggregate classification (germline): Uncertain significance. Review status: criteria provided, multiple submitters, no conflicts (2 of 4 stars). 2 submissions from 2 submitters: Uncertain significance (2). Last evaluated 2025-07-07.

Conditions:
Hereditary cancer-predisposing syndrome. Also called: Neoplastic Syndromes, Hereditary; Hereditary neoplastic syndrome; Hereditary Cancer Syndrome; Tumor predisposition. Identifiers: Orphanet 140162, MedGen C0027672, MeSH D009386, MONDO:0015356.
POLD1-related polyposis and colorectal cancer syndrome (CRCS10). Also called: Colorectal cancer, susceptibility to, 10; Colorectal cancer 10; COLORECTAL CANCER, SUSCEPTIBILITY TO, ON CHROMOSOME 19q. Identifiers: Orphanet 220460, MedGen C2675481, MONDO:0012953, OMIM 612591.

Allele frequency attached by ClinVar (database versions not stated): TOPMed 0.00001.

Submissions (2):

Ambry Genetics
Classification: Uncertain significance for Hereditary cancer-predisposing syndrome. Last evaluated: 2025-07-07. Review status: criteria provided, single submitter. Criteria: Ambry Variant Classification Scheme 2023. Collection method: clinical testing. Allele origin: germline.
Comment: The p.P217A variant (also known as c.649C>G), located in coding exon 5 of the POLD1 gene, results from a C to G substitution at nucleotide position 649. The proline at codon 217 is replaced by alanine, an amino acid with highly similar properties. This amino acid position is conserved. In addition, the in silico prediction for this alteration is inconclusive. Based on the available evidence, the clinical significance of this variant remains unclear.

Labcorp Genetics (formerly Invitae), Labcorp
Classification: Uncertain significance for POLD1-related polyposis and colorectal cancer syndrome. Last evaluated: 2024-06-18. Review status: criteria provided, single submitter. Criteria: Invitae Variant Classification Sherloc (09022015). Collection method: clinical testing. Allele origin: germline.
Comment: This sequence change replaces proline, which is neutral and non-polar, with alanine, which is neutral and non-polar, at codon 217 of the POLD1 protein (p.Pro217Ala). This variant is not present in population databases (gnomAD no frequency). This variant has not been reported in the literature in individuals affected with POLD1-related conditions. ClinVar contains an entry for this variant (Variation ID: 407994). Advanced modeling of protein sequence and biophysical properties (such as structural, functional, and spatial information, amino acid conservation, physicochemical variation, residue mobility, and thermodynamic stability) performed at Invitae indicates that this missense variant is not expected to disrupt POLD1 protein function with a negative predictive value of 80%. In summary, the available evidence is currently insufficient to determine the role of this variant in disease. Therefore, it has been classified as a Variant of Uncertain Significance.

NM_002691.4(POLD1):c.649C>G (p.Pro217Ala)

Gene: POLD1 (DNA polymerase delta 1, catalytic subunit; plus strand). Cytogenetic location: 19q13.33.
Variant type: single nucleotide variant.
Coding change: c.649C>G on transcript NM_002691.4 (MANE Select); coding-DNA position 649, C replaced by G.
Protein change: p.Pro217Ala; replaces proline 217 with alanine.
Molecular consequence: missense variant. On other transcripts: non-coding transcript variant (1).
Genome position (GRCh38, 1-based): chr19:50,402,264, C>G. VCF-style: chr19-50402264-C-G. GRCh37 (hg19) VCF-style: chr19-50905521-C-G.
Other names: c.649C>G, p.Pro217Ala (NM_001256849.1, NM_001308632.1); short protein forms P217A.
Identifiers: ClinVar variation 407994 (VCV000407994.14), dbSNP rs1060501817, ClinGen allele CA16616337.